The following is an entry in ClinVar:

NM_032656.4(DHX37):c.1524A>C (p.Lys508Asn)

Gene: DHX37 (DEAH-box helicase 37; minus strand). Cytogenetic location: 12q24.31.
Variant type: single nucleotide variant.
Coding change: c.1524A>C on transcript NM_032656.4 (MANE Select); coding-DNA position 1524, A replaced by C.
Protein change: p.Lys508Asn; replaces lysine 508 with asparagine.
Molecular consequence: missense variant.
Genome position (GRCh38, 1-based): chr12:124,966,859, T>G on the plus strand (A>C on the coding strand, the complement: DHX37 is on the minus strand). VCF-style: chr12-124966859-T-G. GRCh37 (hg19) VCF-style: chr12-125451405-T-G.
Other names: short protein forms K508N.
Identifiers: ClinVar variation 783675 (VCV000783675.11), dbSNP rs35165507, ClinGen allele CA6871983.
Genomic context (GRCh38, chr12:124,966,859, plus strand): 5'-CCGCGCCTTCTTGGCCCTGGCCCTTGACTTCTTAAACTTCCGCATTTCCTCCACCGAGTC[T>G]TTCTGATCGTCGTCCTTTTCTGGGAGAGGGGCAGGTTGGGGAGAAAGGCGTCTGTGGCCG-3'
Protein context (NP_116045.2, residues 498-518): ARPQEKDDDQ[Lys508Asn]DSVEEMRKFK

ClinVar aggregate classification (germline): Benign. Review status: criteria provided, multiple submitters, no conflicts (2 of 4 stars). 3 submissions from 3 submitters: Benign (2). 1 of the submissions does not count toward it. Last evaluated 2026-01-19.

Conditions:
DHX37-related disorder. Also called: DHX37-related condition; DHX37-Related Disorders.

Allele frequency attached by ClinVar (database versions not stated): gnomAD 0.01172 and 0.01249; TOPMed 0.01283; ESP Exome Variant Server 0.01376; 1000 Genomes Project 0.01558; 1000 Genomes Project 30x 0.01593.
gnomAD v4.1: 3,451 of 1,614,258 alleles (0.21%); highest among the groups gnomAD compares: African/African-American, 4.1%; 67 homozygotes.

Submissions (3):

Labcorp Genetics (formerly Invitae), Labcorp
Classification: Benign. Last evaluated: 2026-01-19. Review status: criteria provided, single submitter. Criteria: Invitae Variant Classification Sherloc (09022015). Collection method: clinical testing. Allele origin: germline.

Breakthrough Genomics
Classification: Benign. Review status: criteria provided, single submitter. Criteria: ACMG Guidelines, 2015. Collection method: not provided. Allele origin: germline. Inheritance: Autosomal recessive inheritance. Affected: yes.

PreventionGenetics, part of Exact Sciences
Classification: Benign for DHX37-related condition. Last evaluated: 2019-12-05. Review status: no assertion criteria provided. Collection method: clinical testing. Allele origin: germline. Not counted in ClinVar's aggregate classification.
Comment: This variant is classified as benign based on ACMG/AMP sequence variant interpretation guidelines (Richards et al. 2015 PMID: 25741868, with internal and published modifications).